The following is an entry in ClinVar:

ClinVar aggregate classification (germline): Uncertain significance. Review status: criteria provided, multiple submitters, no conflicts (2 of 4 stars). 5 submissions from 5 submitters: Uncertain significance (5). Last evaluated 2025-11-06.

Conditions:
Connective tissue disorder. Also called: Connective tissue disease. Identifiers: MedGen C0009782, MONDO:0003900.
Stickler syndrome, type 4 (STL4). Identifiers: Orphanet 250984, Orphanet 828, MedGen C3279941, MONDO:0013590, OMIM 614134.
Epiphyseal dysplasia, multiple, 6. Also called: COL9A1-Related Multiple Epiphyseal Dysplasia. Identifiers: MedGen C2675767, MONDO:0013591, OMIM 614135.

Allele frequency attached by ClinVar (database versions not stated): TOPMed below 0.00001; ExAC 0.00001; gnomAD exomes 0.00001 and 0.00002.
gnomAD v4.1: 11 of 1,613,280 alleles (0.00068%); highest among the groups gnomAD compares: Non-Finnish European, 0.00085%; no homozygotes.

Submissions (5):

Labcorp Genetics (formerly Invitae), Labcorp
Classification: Uncertain significance. Last evaluated: 2025-11-06. Review status: criteria provided, single submitter. Criteria: Invitae Variant Classification Sherloc (09022015). Collection method: clinical testing. Allele origin: germline.
Comment: This sequence change replaces alanine, which is neutral and non-polar, with valine, which is neutral and non-polar, at codon 778 of the COL9A1 protein (p.Ala778Val). This variant is present in population databases (rs767229176, gnomAD 0.002%). This variant has not been reported in the literature in individuals affected with COL9A1-related conditions. ClinVar contains an entry for this variant (Variation ID: 1420675). Invitae Evidence Modeling of protein sequence and biophysical properties (such as structural, functional, and spatial information, amino acid conservation, physicochemical variation, residue mobility, and thermodynamic stability) indicates that this missense variant is not expected to disrupt COL9A1 protein function with a negative predictive value of 95%. In summary, the available evidence is currently insufficient to determine the role of this variant in disease. Therefore, it has been classified as a Variant of Uncertain Significance.

Blueprint Genetics
Classification: Uncertain significance. Last evaluated: 2024-09-25. Review status: criteria provided, single submitter. Criteria: ACMG Guidelines, 2015. Collection method: clinical testing. Allele origin: germline.

GeneDx
Classification: Uncertain significance. Last evaluated: 2024-06-11. Review status: criteria provided, single submitter. Criteria: GeneDx Variant Classification Process June 2021. Collection method: clinical testing. Allele origin: germline. Affected: yes.
Comment: Not observed at significant frequency in large population cohorts (gnomAD); In silico analysis indicates that this missense variant does not alter protein structure/function; Has not been previously published as pathogenic or benign to our knowledge

Fulgent Genetics
Classification: Uncertain significance for Stickler syndrome, type 4; Epiphyseal dysplasia, multiple, 6. Last evaluated: 2024-04-29. Review status: criteria provided, single submitter. Criteria: ACMG Guidelines, 2015. Collection method: clinical testing. Allele origin: germline.

Genome Diagnostics Laboratory, The Hospital for Sick Children
Classification: Uncertain significance for Connective tissue disorder. Last evaluated: 2021-04-28. Review status: criteria provided, single submitter. Criteria: ACMG Guidelines, 2015. Collection method: clinical testing. Allele origin: germline.

NM_001851.6(COL9A1):c.2333C>T (p.Ala778Val)

Gene: COL9A1 (collagen type IX alpha 1 chain; minus strand). Cytogenetic location: 6q13.
Variant type: single nucleotide variant.
Coding change: c.2333C>T on transcript NM_001851.6 (MANE Select); coding-DNA position 2333, C replaced by T.
Protein change: p.Ala778Val; replaces alanine 778 with valine.
Molecular consequence: missense variant. On other transcripts: non-coding transcript variant (1).
Genome position (GRCh38, 1-based): chr6:70,232,753, G>A on the plus strand (C>T on the coding strand, the complement: COL9A1 is on the minus strand). VCF-style: chr6-70232753-G-A. GRCh37 (hg19) VCF-style: chr6-70942456-G-A.
Other names: c.1634C>T, p.Ala545Val (NM_001377289.1); c.1457C>T, p.Ala486Val (NM_001377290.1); c.1604C>T, p.Ala535Val (NM_078485.4); short protein forms A535V, A545V, A778V, A486V.
Identifiers: ClinVar variation 1420675 (VCV001420675.12), dbSNP rs767229176, ClinGen allele CA3881783.